The following is an entry in ClinVar:

NM_001349206.2(LPIN1):c.2621+3G>A

Gene: LPIN1 (lipin 1; plus strand). Cytogenetic location: 2p25.1.
Variant type: single nucleotide variant.
Coding change: c.2621+3G>A on transcript NM_001349206.2 (MANE Select); 3 bases into the intron after coding-DNA position 2621, G replaced by A.
Molecular consequence: intron variant.
Genome position (GRCh38, 1-based): chr2:11,820,517, G>A. VCF-style: chr2-11820517-G-A. GRCh37 (hg19) VCF-style: chr2-11960643-G-A.
Other names: c.2768+3G>A (NM_001261428.3); c.2660+3G>A (NM_001349208.2); c.2711+3G>A (NM_001349207.2); c.2531+3G>A (NM_001261427.3); c.2621+3G>A (NM_001349204.2, NM_001349205.2); c.2618+3G>A (NM_001349202.2, NM_001349203.2); c.2591+3G>A (NM_001349200.2, NM_001349201.2); c.2513+3G>A (NM_001349199.2, NM_145693.4).
Identifiers: ClinVar variation 2835465 (VCV002835465.3), dbSNP rs1681327763, ClinGen allele CA2489166614.

ClinVar aggregate classification (germline): Uncertain significance (1 of 4 stars; one submission).

Allele frequency attached by ClinVar (database versions not stated): gnomAD exomes below 0.00001; TOPMed below 0.00001.
gnomAD v4.1: 7 of 1,592,240 alleles (0.00044%); highest among the groups gnomAD compares: Middle Eastern, 0.017%; no homozygotes.

Submission:

Labcorp Genetics (formerly Invitae), Labcorp
Classification: Uncertain significance. Last evaluated: 2025-03-31. Review status: criteria provided, single submitter. Criteria: Invitae Variant Classification Sherloc (09022015). Collection method: clinical testing. Allele origin: germline.
Comment: This sequence change falls in intron 19 of the LPIN1 gene. It does not directly change the encoded amino acid sequence of the LPIN1 protein. It affects a nucleotide within the consensus splice site. This variant is not present in population databases (gnomAD no frequency). This variant has not been reported in the literature in individuals affected with LPIN1-related conditions. ClinVar contains an entry for this variant (Variation ID: 2835465). Variants that disrupt the consensus splice site are a relatively common cause of aberrant splicing (PMID: 17576681, 9536098). Algorithms developed to predict the effect of sequence changes on RNA splicing suggest that this variant is not likely to affect RNA splicing. In summary, the available evidence is currently insufficient to determine the role of this variant in disease. Therefore, it has been classified as a Variant of Uncertain Significance.

Literature cited by the submitters: PubMed 17576681; PubMed 9536098.